The following is an entry in ClinVar:

ClinVar aggregate classification (germline): Uncertain significance. Review status: criteria provided, multiple submitters, no conflicts (2 of 4 stars). 3 submissions from 3 submitters: Uncertain significance (3). Last evaluated 2025-08-30.

Conditions:
Gorlin syndrome. Also called: Basal cell nevus syndrome; Nevoid Basal Cell Carcinoma Syndrome. Identifiers: Orphanet 377, MedGen C0004779, MONDO:0007187.
Medulloblastoma (MDB). Also called: Medulloblastoma, somatic; MEDULLOBLASTOMA PREDISPOSITION SYNDROME. Identifiers: Orphanet 616, MedGen C0025149, MeSH D008527, MONDO:0007959, OMIM 155255, HP:0002885.
Hereditary cancer-predisposing syndrome. Also called: Neoplastic Syndromes, Hereditary; Hereditary neoplastic syndrome; Tumor predisposition; Hereditary Cancer Syndrome. Identifiers: Orphanet 140162, MedGen C0027672, MeSH D009386, MONDO:0015356.

Submissions (3):

Ambry Genetics
Classification: Uncertain significance for Hereditary cancer-predisposing syndrome. Last evaluated: 2025-08-30. Review status: criteria provided, single submitter. Criteria: Ambry Variant Classification Scheme 2023. Collection method: clinical testing. Allele origin: germline.
Comment: The p.Y45F variant (also known as c.134A>T), located in coding exon 1 of the SUFU gene, results from an A to T substitution at nucleotide position 134. The tyrosine at codon 45 is replaced by phenylalanine, an amino acid with highly similar properties. This amino acid position is conserved. In addition, the in silico prediction for this alteration is inconclusive. Since supporting evidence is limited at this time, the clinical significance of this alteration remains unclear.

Labcorp Genetics (formerly Invitae), Labcorp
Classification: Uncertain significance for Gorlin syndrome; Medulloblastoma. Last evaluated: 2023-12-13. Review status: criteria provided, single submitter. Criteria: Invitae Variant Classification Sherloc (09022015). Collection method: clinical testing. Allele origin: germline.
Comment: This sequence change replaces tyrosine, which is neutral and polar, with phenylalanine, which is neutral and non-polar, at codon 45 of the SUFU protein (p.Tyr45Phe). This variant is not present in population databases (gnomAD no frequency). This variant has not been reported in the literature in individuals affected with SUFU-related conditions. ClinVar contains an entry for this variant (Variation ID: 1675433). Advanced modeling of protein sequence and biophysical properties (such as structural, functional, and spatial information, amino acid conservation, physicochemical variation, residue mobility, and thermodynamic stability) performed at Invitae indicates that this missense variant is expected to disrupt SUFU protein function with a positive predictive value of 80%. In summary, the available evidence is currently insufficient to determine the role of this variant in disease. Therefore, it has been classified as a Variant of Uncertain Significance.

CeGaT Center for Human Genetics Tuebingen
Classification: Uncertain significance. Last evaluated: 2022-02-01. Review status: criteria provided, single submitter. Criteria: CeGaT Center For Human Genetics Tuebingen Variant Classification Criteria Version 2. Collection method: clinical testing. Allele origin: germline. Affected: yes. Observed: 1 variant allele.

NM_016169.4(SUFU):c.134A>T (p.Tyr45Phe)

Gene: SUFU (SUFU negative regulator of hedgehog signaling; plus strand). Cytogenetic location: 10q24.32.
Variant type: single nucleotide variant.
Coding change: c.134A>T on transcript NM_016169.4 (MANE Select); coding-DNA position 134, A replaced by T.
Protein change: p.Tyr45Phe; replaces tyrosine 45 with phenylalanine.
Molecular consequence: missense variant.
Genome position (GRCh38, 1-based): chr10:102,504,286, A>T. VCF-style: chr10-102504286-A-T. GRCh37 (hg19) VCF-style: chr10-104264043-A-T.
Other names: c.134A>T, p.Tyr45Phe (NM_001178133.2); c.134A>T (NM_016169.3); short protein forms Y45F.
Identifiers: ClinVar variation 1675433 (VCV001675433.39), dbSNP rs774611157, ClinGen allele CA377886586.
Genomic context (GRCh38, chr10:102,504,286, plus strand): 5'-CCTTCGCTTCGCTCTTTCCCCCGGGACTGCACGCCATCTACGGAGAGTGCCGCCGCCTTT[A>T]CCCTGACCAGCCGAACCCGCTCCAGGTTACCGCTATCGTCAAGTACTGGTATGCTCTGGG-3'
Protein context (NP_057253.2, residues 35-55): HAIYGECRRL[Tyr45Phe]PDQPNPLQVT